The following is an entry in ClinVar:

ClinVar aggregate classification (germline): Uncertain significance (1 of 4 stars; one submission).

Conditions:
Primary ciliary dyskinesia. Also called: Ciliary dyskinesia. Identifiers: Orphanet 244, MedGen C0008780, MONDO:0016575, HP:0012265.

Submission:

Ambry Genetics
Classification: Uncertain significance for Primary ciliary dyskinesia. Last evaluated: 2025-04-20. Review status: criteria provided, single submitter. Criteria: Ambry Variant Classification Scheme 2023. Collection method: clinical testing. Allele origin: germline.
Comment: The p.M1355I variant (also known as c.4065G>A), located in coding exon 26 of the DNAH5 gene, results from a G to A substitution at nucleotide position 4065. The methionine at codon 1355 is replaced by isoleucine, an amino acid with highly similar properties. This amino acid position is conserved. In addition, this alteration is predicted to be tolerated by in silico analysis. Based on the available evidence, the clinical significance of this variant remains unclear.

NM_001369.3(DNAH5):c.4065G>A (p.Met1355Ile)

Genes: DNAH5 (dynein axonemal heavy chain 5; minus strand), DNAH5-AS1 (DNAH5 antisense RNA 1; plus strand). Cytogenetic location: 5p15.2.
Variant type: single nucleotide variant.
Coding change: c.4065G>A on transcript NM_001369.3 (MANE Select); coding-DNA position 4065, G replaced by A.
Protein change: p.Met1355Ile; replaces methionine 1355 with isoleucine.
Molecular consequence: missense variant.
Genome position (GRCh38, 1-based): chr5:13,866,271, C>T on the plus strand (G>A on the coding strand, the complement: DNAH5 is on the minus strand). VCF-style: chr5-13866271-C-T. GRCh37 (hg19) VCF-style: chr5-13866380-C-T.
Other names: short protein forms M1355I.
Identifiers: ClinVar variation 4013099 (VCV004013099.1).